The following is an entry in ClinVar:

ClinVar aggregate classification (germline): Benign/Likely benign. Review status: criteria provided, multiple submitters, no conflicts (2 of 4 stars). 3 submissions from 3 submitters: Benign (1); Likely benign (2). Last evaluated 2018-07-05.

Conditions:
Pseudohypoaldosteronism type 2C (PHA2C). Also called: Pseudohypoaldosteronism Type IIC. Identifiers: Orphanet 757, Orphanet 88940, MedGen C1840391, MONDO:0013778, OMIM 614492.

Allele frequency attached by ClinVar (database versions not stated): 1000 Genomes Project 30x 0.00500; 1000 Genomes Project 0.00519; TOPMed 0.00668; gnomAD 0.00847 and 0.00882; gnomAD exomes 0.00900.
gnomAD v4.1: 4,016 of 454,088 alleles (0.88%); highest among the groups gnomAD compares: Middle Eastern, 1.3%; 35 homozygotes.

Submissions (3):

GeneDx
Classification: Likely benign. Last evaluated: 2018-07-05. Review status: criteria provided, single submitter. Criteria: GeneDx Variant Classification Process June 2021. Collection method: clinical testing. Allele origin: germline. Affected: yes.

Illumina Laboratory Services, Illumina
Classification: Benign for Pseudohypoaldosteronism type 2C. Last evaluated: 2018-01-12. Review status: criteria provided, single submitter. Criteria: ICSL Variant Classification Criteria 13 December 2019. Collection method: clinical testing. Allele origin: germline.
Comment: This variant was observed in the ICSL laboratory as part of a predisposition screen in an ostensibly healthy population. It had not been previously curated by ICSL or reported in the Human Gene Mutation Database (HGMD: prior to June 1st, 2018), and was therefore a candidate for classification through an automated scoring system. Utilizing variant allele frequency, disease prevalence and penetrance estimates, and inheritance mode, an automated score was calculated to assess if this variant is too frequent to cause the disease. Based on the score and internal cut-off values, a variant classified as benign is not then subjected to further curation. The score for this variant resulted in a classification of benign for this disease.

Breakthrough Genomics
Classification: Likely benign. Review status: criteria provided, single submitter. Criteria: ACMG Guidelines, 2015. Collection method: not provided. Allele origin: germline. Inheritance: Autosomal recessive inheritance. Affected: yes.

NM_018979.4(WNK1):c.*277A>T

Gene: WNK1 (WNK lysine deficient protein kinase 1; plus strand). Cytogenetic location: 12p13.33.
Variant type: single nucleotide variant.
Coding change: c.*277A>T on transcript NM_018979.4 (MANE Select); 277 bases downstream of the stop codon, A replaced by T.
Molecular consequence: 3 prime UTR variant.
Genome position (GRCh38, 1-based): chr12:909,069, A>T. VCF-style: chr12-909069-A-T. GRCh37 (hg19) VCF-style: chr12-1018235-A-T.
Other names: c.*277A>T (NM_001184985.2, NM_014823.3, NM_213655.5).
Identifiers: ClinVar variation 306669 (VCV000306669.9), dbSNP rs80258895, ClinGen allele CA10642551.